The following is an entry in ClinVar:

ClinVar aggregate classification (germline): Uncertain significance (1 of 4 stars; one submission).

Conditions:
Inborn genetic diseases. Identifiers: MedGen C0950123, MeSH D030342.

Allele frequency attached by ClinVar (database versions not stated): gnomAD exomes 0.00002 and 0.00003; TOPMed 0.00003; gnomAD 0.00005.
gnomAD v4.1: 29 of 1,133,474 alleles (0.0026%); highest among the groups gnomAD compares: Admixed American, 0.0089%; no homozygotes.

Submission:

Ambry Genetics
Classification: Uncertain significance for Inborn genetic diseases. Last evaluated: 2016-07-07. Review status: criteria provided, single submitter. Criteria: Ambry Variant Classification Scheme 2023. Collection method: clinical testing. Allele origin: germline.
Comment: The c.1627-3C>T intronic variant results from a C to T substitution 3 nucleotides upstream from coding exon 13 in the PHF8 gene. This variant was not reported in population based cohorts in the following databases: Database of Single Nucleotide Since supporting evidence is limited at this time, the clinical significance of this variant remains unclear. Polymorphisms (dbSNP), NHLBI Exome Sequencing Project (ESP), and 1000 Genomes Project. In the ESP, this variant was not observed in 6503 samples with coverage at this position. This nucleotide position is highly conserved in available vertebrate species. Using two different splice site prediction tools, this alteration is predicted by ESEfinder to weaken the efficiency of the native splice acceptor site, but is not predicted to have a deleterious effect on this splice acceptor site by BDGP; however, direct evidence is unavailable. Since supporting evidence is limited at this time, the clinical significance of this alteration remains unclear.

NM_015107.3(PHF8):c.1627-3C>T

Gene: PHF8 (PHD finger protein 8; minus strand). Cytogenetic location: Xp11.22.
Variant type: single nucleotide variant.
Coding change: c.1627-3C>T on transcript NM_015107.3 (MANE Select); 3 bases into the intron before coding-DNA position 1627, C replaced by T.
Molecular consequence: intron variant.
Genome position (GRCh38, 1-based): chrX:53,992,842, G>A on the plus strand (C>T on the coding strand, the complement: PHF8 is on the minus strand). VCF-style: chrX-53992842-G-A. GRCh37 (hg19) VCF-style: chrX-54019275-G-A.
Other names: c.1735-3C>T (NM_001184896.1); c.1324-3C>T (NM_001184897.2); c.1627-3C>T (NM_001184898.2).
Identifiers: ClinVar variation 589321 (VCV000589321.5), dbSNP rs893607213, ClinGen allele CA329924755.
Genomic context (GRCh38, chrX:53,992,842, plus strand): 5'-GGTCCAAGTCTGGTGAGTCGTCATCTGAGTCATTCAAGCAGGCACCAGTGATGTTGAACT[G>A]TAGAAGTAGGAGACTCAGCCGTTACCTGTCTGGGACTCCCATGGGAATCACGATGGCAAG-3'